The following is an entry in ClinVar:

NM_006030.4(CACNA2D2):c.206_206+34del

Gene: CACNA2D2 (calcium voltage-gated channel auxiliary subunit alpha2delta 2; minus strand). Cytogenetic location: 3p21.31.
Variant type: Deletion.
Coding change: c.206_206+34del on transcript NM_006030.4 (MANE Select); coding-DNA position 206 through 34 bases into the intron after coding-DNA position 206, 35 bases deleted.
Molecular consequence: splice donor variant. On other transcripts: intron variant (1).
Genome position (GRCh38, 1-based): chr3:50,503,184-50,503,218, 35 bases deleted. GRCh37 (hg19): chr3:50,540,615-50,540,649.
Other names: c.-2+851_-2+885del (NM_001291101.1); c.206_206+34del (NM_001005505.3, NM_001174051.3).
Identifiers: ClinVar variation 1067589 (VCV001067589.6), dbSNP rs2107204955, ClinGen allele CA2499216925.

ClinVar aggregate classification (germline): Likely pathogenic (1 of 4 stars; one submission).

Conditions:
Early-infantile DEE. Also called: Ohtahara syndrome; Early infantile epileptic encephalopathy with suppression bursts; Early infantile epileptic encephalopathy. Identifiers: Orphanet 1934, MedGen C0393706, MONDO:0800491.

Submission:

Labcorp Genetics (formerly Invitae), Labcorp
Classification: Likely pathogenic for Early-infantile DEE. Last evaluated: 2020-07-07. Review status: criteria provided, single submitter. Criteria: Invitae Variant Classification Sherloc (09022015). Collection method: clinical testing. Allele origin: germline.
Comment: In summary, the currently available evidence indicates that the variant is pathogenic, but additional data are needed to prove that conclusively. Therefore, this variant has been classified as Likely Pathogenic. Donor and acceptor splice site variants typically lead to a loss of protein function (PMID: 16199547), and loss-of-function variants in CACNA2D2 are known to be pathogenic (PMID: 24358150). Algorithms developed to predict the effect of sequence changes on RNA splicing suggest that this variant may disrupt the consensus splice site, but this prediction has not been confirmed by published transcriptional studies. This variant has not been reported in the literature in individuals with CACNA2D2-related conditions. The frequency data for this variant in the population databases is considered unreliable, as metrics indicate insufficient coverage at this position in the ExAC database. This sequence change affects donor splice site in intron 1 of the CACNA2D2 gene. It is expected to disrupt RNA splicing and likely results in an absent or disrupted protein product.

Literature cited by the submitters: PubMed 16199547; PubMed 24358150.